The following is an entry in ClinVar:

NM_000045.4(ARG1):c.58-3C>G

Genes: ARG1 (arginase 1; plus strand), MED23 (mediator complex subunit 23; minus strand). Cytogenetic location: 6q23.2.
Variant type: single nucleotide variant.
Coding change: c.58-3C>G on transcript NM_000045.4 (MANE Select); 3 bases into the intron before coding-DNA position 58, C replaced by G.
Molecular consequence: intron variant.
Genome position (GRCh38, 1-based): chr6:131,576,660, C>G. VCF-style: chr6-131576660-C-G. GRCh37 (hg19) VCF-style: chr6-131897800-C-G.
Other names: c.58-3C>G (NM_001244438.2, NM_001369020.1); c.4078-2365G>C (NM_001270521.2); c.4096-2365G>C (NM_015979.4).
Identifiers: ClinVar variation 4755706 (VCV004755706.1).
Genomic context (GRCh38, chr6:131,576,660, plus strand): 5'-TCCTGCTGTGAGCATCTGATGGTCATGATAATGTCTGAAGTACTTTATTTTTTAATTGTT[C>G]AGCCACGAGGAGGGGTGGAAGAAGGCCCTACAGTATTGAGAAAGGCTGGTCTGCTTGAGA-3'

ClinVar aggregate classification (germline): Likely pathogenic (1 of 4 stars; one submission).

Submission:

GeneDx
Classification: Likely pathogenic. Last evaluated: 2025-08-06. Review status: criteria provided, single submitter. Criteria: GeneDx Variant Classification Process June 2021. Collection method: clinical testing. Allele origin: germline. Affected: yes.
Comment: Not observed at significant frequency in large population cohorts (gnomAD); In silico analysis supports a deleterious effect on splicing; This variant is associated with the following publications: (PMID: 39669610, 36474391, KOR2017[abstract], 29726057)